The following is an entry in ClinVar:

ClinVar aggregate classification (germline): Uncertain significance. Review status: criteria provided, multiple submitters, no conflicts (2 of 4 stars). 10 submissions from 10 submitters: Uncertain significance (8). 2 of the submissions do not count toward it. Last evaluated 2025-04-01.

Conditions:
Joubert syndrome. Also called: Familial aplasia of the vermis; JOUBERT-BOLTSHAUSER SYNDROME. Identifiers: Orphanet 475, MedGen C5979921, MONDO:0018772.
Meckel-Gruber syndrome. Also called: DYSENCEPHALIA SPLANCHNOCYSTICA; Dysencephalia splachnocystica; GRUBER SYNDROME. Identifiers: Orphanet 564, MedGen C0265215, MONDO:0018921.
MKS1-related disorder. Also called: MKS1-related condition; MKS1-related disorders. Identifiers: MedGen CN239382.
Inborn genetic diseases. Identifiers: MedGen C0950123, MeSH D030342.
Meckel syndrome, type 1 (MKS1). Also called: MECKEL-GRUBER SYNDROME, TYPE 1. Identifiers: Orphanet 564, MedGen C3714506, MONDO:0009571, OMIM 249000.
Peripheral neuropathy. Also called: Neuropathy. Identifiers: MedGen C0031117, MONDO:0005244, HP:0009830.

Allele frequency attached by ClinVar (database versions not stated): gnomAD exomes 0.00005 and 0.00006; TOPMed 0.00005; gnomAD 0.00006 and 0.00007; ExAC 0.00010.
gnomAD v4.1: 90 of 1,613,714 alleles (0.0056%); highest among the groups gnomAD compares: South Asian, 0.052%; 1 homozygote.

Submissions (10):

Dasa
Classification: Uncertain significance. Last evaluated: 2025-04-01. Review status: criteria provided, single submitter. Criteria: DASA Assertion Criteria. Collection method: clinical testing. Allele origin: germline.
Comment: NM_017777.4(MKS1):c.1607G>A (p.Arg536Gln) is a missense variant that results in the substitution of arginine with glutamine. This variant has been observed in affected individuals with MKS1-related disorders. Also, this variant is rare in population databases. Computational prediction algorithms are consistent with a deleterious effect. The currently available literature and clinical evidence are not sufficient to establish a definitive association between this variant and the reported condition. Therefore, this variant is classified as a variant of uncertain significance.

Labcorp Genetics (formerly Invitae), Labcorp
Classification: Uncertain significance for Joubert syndrome; Meckel-Gruber syndrome. Last evaluated: 2025-01-27. Review status: criteria provided, single submitter. Criteria: Invitae Variant Classification Sherloc (09022015). Collection method: clinical testing. Allele origin: germline.
Comment: This sequence change replaces arginine, which is basic and polar, with glutamine, which is neutral and polar, at codon 536 of the MKS1 protein (p.Arg536Gln). This variant is present in population databases (rs746283445, gnomAD 0.04%). This variant has not been reported in the literature in individuals affected with MKS1-related conditions. ClinVar contains an entry for this variant (Variation ID: 397617). Invitae Evidence Modeling of protein sequence and biophysical properties (such as structural, functional, and spatial information, amino acid conservation, physicochemical variation, residue mobility, and thermodynamic stability) indicates that this missense variant is not expected to disrupt MKS1 protein function with a negative predictive value of 80%. In summary, the available evidence is currently insufficient to determine the role of this variant in disease. Therefore, it has been classified as a Variant of Uncertain Significance.

Ambry Genetics
Classification: Uncertain significance for Inborn genetic diseases. Last evaluated: 2024-10-07. Review status: criteria provided, single submitter. Criteria: Ambry Variant Classification Scheme 2023. Collection method: clinical testing. Allele origin: germline.

GeneDx
Classification: Uncertain significance. Last evaluated: 2024-08-22. Review status: criteria provided, single submitter. Criteria: GeneDx Variant Classification Process June 2021. Collection method: clinical testing. Allele origin: germline. Affected: yes.
Comment: Reported as a rare variant in a homozygous state identified on exome sequencing of patients with GAPO syndrome; however, the reported patients also harbored other variants that may explain the phenotype (PMID: 23602711); In silico analysis supports that this missense variant has a deleterious effect on protein structure/function; This variant is associated with the following publications: (PMID: 22810696, 23602711)

Blueprint Genetics
Classification: Uncertain significance. Last evaluated: 2024-07-11. Review status: criteria provided, single submitter. Criteria: ACMG Guidelines, 2015. Collection method: clinical testing. Allele origin: germline.

Mayo Clinic Laboratories, Mayo Clinic
Classification: Uncertain significance. Last evaluated: 2022-10-03. Review status: criteria provided, single submitter. Criteria: ACMG Guidelines, 2015. Collection method: clinical testing. Allele origin: germline. Observed: 1 variant allele.
Comment: PM2

Eurofins Ntd Llc (ga)
Classification: Uncertain significance. Last evaluated: 2017-11-06. Review status: criteria provided, single submitter. Criteria: EGL Classification Definitions 2015. Collection method: clinical testing. Allele origin: germline. Observed: 1 variant allele, 1 heterozygote.

Claritas Genomics
Classification: Uncertain significance for Peripheral neuropathy. Last evaluated: 2016-08-22. Review status: criteria provided, single submitter. Criteria: ACMG Guidelines, 2015. Collection method: clinical testing. Allele origin: germline. Affected: yes.

PreventionGenetics, part of Exact Sciences
Classification: Uncertain significance for MKS1-related condition. Last evaluated: 2024-02-22. Review status: no assertion criteria provided. Collection method: clinical testing. Allele origin: germline. Not counted in ClinVar's aggregate classification.
Comment: The MKS1 c.1607G>A variant is predicted to result in the amino acid substitution p.Arg536Gln. To our knowledge, this variant has not been reported in the literature. This variant is reported in 0.049% of alleles in individuals of South Asian descent in gnomAD. At this time, the clinical significance of this variant is uncertain due to the absence of conclusive functional and genetic evidence.

Natera, Inc.
Classification: Uncertain significance for Meckel syndrome type 1. Last evaluated: 2020-02-25. Review status: no assertion criteria provided. Collection method: clinical testing. Allele origin: germline. Not counted in ClinVar's aggregate classification.

Literature cited by the submitters: PubMed 23602711 (cited by Mayo Clinic Laboratories, Mayo Clinic).

NM_017777.4(MKS1):c.1607G>A (p.Arg536Gln)

Gene: MKS1 (MKS transition zone complex subunit 1; minus strand). Cytogenetic location: 17q22.
Variant type: single nucleotide variant.
Coding change: c.1607G>A on transcript NM_017777.4 (MANE Select); coding-DNA position 1607, G replaced by A.
Protein change: p.Arg536Gln; replaces arginine 536 with glutamine.
Molecular consequence: missense variant. On other transcripts: synonymous variant (1), 3 prime UTR variant (1).
Genome position (GRCh38, 1-based): chr17:58,206,152, C>T on the plus strand (G>A on the coding strand, the complement: MKS1 is on the minus strand). VCF-style: chr17-58206152-C-T. GRCh37 (hg19) VCF-style: chr17-56283513-C-T.
Other names: p.Arg536Gln; c.998G>A, p.Arg333Gln (NM_001321268.2); c.1524G>A, p.Pro508= (NM_001321269.2); c.*19G>A (NM_001330397.2); short protein forms R536Q, R333Q.
Identifiers: ClinVar variation 397617 (VCV000397617.20), dbSNP rs746283445, ClinGen allele CA8669060.